The following is an entry in ClinVar:

ClinVar aggregate classification (germline): Uncertain significance (1 of 4 stars; one submission).

Conditions:
Fanconi anemia complementation group J. Also called: BRIP1-Related Fanconi Anemia. Identifiers: Orphanet 84, MedGen C1836860, MONDO:0012187, OMIM 609054.
Familial cancer of breast. Also called: BREAST CANCER, FAMILIAL; Hereditary breast cancer; hereditary breast carcinoma. Identifiers: Orphanet 227535, MedGen C0346153, MONDO:0016419, OMIM 114480. Disease mechanism: loss of function.

Submission:

Labcorp Genetics (formerly Invitae), Labcorp
Classification: Uncertain significance for Familial cancer of breast; Fanconi anemia complementation group J. Last evaluated: 2024-09-21. Review status: criteria provided, single submitter. Criteria: Invitae Variant Classification Sherloc (09022015). Collection method: clinical testing. Allele origin: germline.
Comment: This sequence change replaces glycine, which is neutral and non-polar, with arginine, which is basic and polar, at codon 239 of the BRIP1 protein (p.Gly239Arg). This variant is not present in population databases (gnomAD no frequency). This variant has not been reported in the literature in individuals affected with BRIP1-related conditions. Invitae Evidence Modeling of protein sequence and biophysical properties (such as structural, functional, and spatial information, amino acid conservation, physicochemical variation, residue mobility, and thermodynamic stability) indicates that this missense variant is not expected to disrupt BRIP1 protein function with a negative predictive value of 80%. In summary, the available evidence is currently insufficient to determine the role of this variant in disease. Therefore, it has been classified as a Variant of Uncertain Significance.

NM_032043.3(BRIP1):c.715G>A (p.Gly239Arg)

Gene: BRIP1 (BRCA1 interacting DNA helicase 1; minus strand). Cytogenetic location: 17q23.2.
Variant type: single nucleotide variant.
Coding change: c.715G>A on transcript NM_032043.3 (MANE Select); coding-DNA position 715, G replaced by A.
Protein change: p.Gly239Arg; replaces glycine 239 with arginine.
Molecular consequence: missense variant.
Genome position (GRCh38, 1-based): chr17:61,808,670, C>T on the plus strand (G>A on the coding strand, the complement: BRIP1 is on the minus strand). VCF-style: chr17-61808670-C-T. GRCh37 (hg19) VCF-style: chr17-59886031-C-T.
Other names: short protein forms G239R.
Identifiers: ClinVar variation 3761558 (VCV003761558.2).